The following is an entry in ClinVar:

ClinVar aggregate classification (germline): Uncertain significance. Review status: criteria provided, multiple submitters, no conflicts (2 of 4 stars). 3 submissions from 3 submitters: Uncertain significance (2). 1 of the submissions does not count toward it. Last evaluated 2025-08-25.

Conditions:
KCNN4-related disorder. Also called: KCNN4-related condition.
Dehydrated hereditary stomatocytosis 2 (DHS2). Also called: XEROCYTOSIS GARDOS; DESICCYTOSIS GARDOS. Identifiers: Orphanet 3202, MedGen C4225242, MONDO:0014737, OMIM 616689.
Inborn genetic diseases. Identifiers: MedGen C0950123, MeSH D030342.

Allele frequency attached by ClinVar (database versions not stated): gnomAD 0.00001; TOPMed 0.00003.

Submissions (3):

Ambry Genetics
Classification: Uncertain significance for Inborn genetic diseases. Last evaluated: 2025-08-25. Review status: criteria provided, single submitter. Criteria: Ambry Variant Classification Scheme 2023. Collection method: clinical testing. Allele origin: germline.

Revvity Omics, Revvity
Classification: Uncertain significance for Dehydrated hereditary stomatocytosis 2. Last evaluated: 2023-06-29. Review status: criteria provided, single submitter. Criteria: ACMG Guidelines, 2015. Collection method: clinical testing. Allele origin: germline.

PreventionGenetics, part of Exact Sciences
Classification: Uncertain significance for KCNN4-related condition. Last evaluated: 2024-02-14. Review status: no assertion criteria provided. Collection method: clinical testing. Allele origin: germline. Not counted in ClinVar's aggregate classification.
Comment: The KCNN4 c.904A>T variant is predicted to result in the amino acid substitution p.Met302Leu. To our knowledge, this variant has not been reported in the literature or in a large population database, indicating this variant is rare. At this time, the clinical significance of this variant is uncertain due to the absence of conclusive functional and genetic evidence.

NM_002250.3(KCNN4):c.904A>T (p.Met302Leu)

Gene: KCNN4 (potassium calcium-activated channel subfamily N member 4; minus strand). Cytogenetic location: 19q13.31.
Variant type: single nucleotide variant.
Coding change: c.904A>T on transcript NM_002250.3 (MANE Select); coding-DNA position 904, A replaced by T.
Protein change: p.Met302Leu; replaces methionine 302 with leucine.
Molecular consequence: missense variant.
Genome position (GRCh38, 1-based): chr19:43,769,745, T>A on the plus strand (A>T on the coding strand, the complement: KCNN4 is on the minus strand). VCF-style: chr19-43769745-T-A. GRCh37 (hg19) VCF-style: chr19-44273897-T-A.
Other names: c.904A>T (NM_002250.2); short protein forms M302L.
Identifiers: ClinVar variation 2689295 (VCV002689295.5), dbSNP rs1389720019, ClinGen allele CA406198119.